The following is an entry in ClinVar:

NM_001378120.1(MBD5):c.2498A>T (p.Asn833Ile)

Gene: MBD5 (methyl-CpG binding domain protein 5; plus strand). Cytogenetic location: 2q23.1.
Variant type: single nucleotide variant.
Coding change: c.2498A>T on transcript NM_001378120.1 (MANE Select); coding-DNA position 2498, A replaced by T.
Protein change: p.Asn833Ile; replaces asparagine 833 with isoleucine.
Molecular consequence: missense variant.
Genome position (GRCh38, 1-based): chr2:148,470,441, A>T. VCF-style: chr2-148470441-A-T. GRCh37 (hg19) VCF-style: chr2-149228010-A-T.
Other names: c.2498A>T, p.Asn833Ile (NM_018328.5); short protein forms N833I.
Identifiers: ClinVar variation 430037 (VCV000430037.2), dbSNP rs1131691751, ClinGen allele CA348721995.

ClinVar aggregate classification (germline): Uncertain significance (1 of 4 stars; one submission).

Submission:

GeneDx
Classification: Uncertain significance. Last evaluated: 2017-05-16. Review status: criteria provided, single submitter. Criteria: GeneDx Variant Classification (06012015). Collection method: clinical testing. Allele origin: germline. Affected: yes.
Comment: A variant of uncertain significance has been identified in the MBD5 gene. The N833I variant has not been published as a pathogenic variant, nor has it been reported as a benign variant to our knowledge. The N833I variant is not observed in large population cohorts (Lek et al., 2016; 1000 Genomes Consortium et al., 2015; Exome Variant Server). The N833I variant is a non-conservative amino acid substitution, which is likely to impact secondary protein structure as these residues differ in polarity, charge, size and/or other properties. This substitution occurs at a position that is conserved across species. However, to our knowledge, only loss-of-function pathogenic variants in MBD5 have been published in association with epilepsy. In silico analysis is inconsistent in its predictions as to whether or not the variant is damaging to the protein structure/function. Therefore, based on the currently available information, it is unclear whether this variant is a pathogenic variant or a rare benign variant.